The following is an entry in ClinVar:

NM_007373.4(SHOC2):c.342A>G (p.Ile114Met)

Gene: SHOC2 (SHOC2 leucine rich repeat scaffold protein; plus strand). Cytogenetic location: 10q25.2.
Variant type: single nucleotide variant.
Coding change: c.342A>G on transcript NM_007373.4 (MANE Select); coding-DNA position 342, A replaced by G.
Protein change: p.Ile114Met; replaces isoleucine 114 with methionine.
Molecular consequence: missense variant.
Genome position (GRCh38, 1-based): chr10:110,964,700, A>G. VCF-style: chr10-110964700-A-G. GRCh37 (hg19) VCF-style: chr10-112724458-A-G.
Other names: c.342A>G, p.Ile114Met (NM_001269039.3, NM_001324336.2, NM_001324337.2); short protein forms I114M.
Identifiers: ClinVar variation 1310782 (VCV001310782.7), dbSNP rs2134121467, ClinGen allele CA378384376.

ClinVar aggregate classification (germline): Uncertain significance. Review status: criteria provided, multiple submitters, no conflicts (2 of 4 stars). 3 submissions from 3 submitters: Uncertain significance (3). Last evaluated 2024-06-21.

Conditions:
RASopathy. Also called: Noonan spectrum disorder; rasopathies. Identifiers: Orphanet 536391, MedGen C5555857, MONDO:0021060.
Cardiovascular phenotype. Identifiers: MedGen CN230736.

Submissions (3):

Ambry Genetics
Classification: Uncertain significance for Cardiovascular phenotype. Last evaluated: 2024-06-21. Review status: criteria provided, single submitter. Criteria: Ambry Variant Classification Scheme 2023. Collection method: clinical testing. Allele origin: germline.
Comment: The p.I114M variant (also known as c.342A>G), located in coding exon 1 of the SHOC2 gene, results from an A to G substitution at nucleotide position 342. The isoleucine at codon 114 is replaced by methionine, an amino acid with highly similar properties. This amino acid position is conserved. In addition, this alteration is predicted to be tolerated by in silico analysis. Based on the available evidence, the clinical significance of this variant remains unclear.

Labcorp Genetics (formerly Invitae), Labcorp
Classification: Uncertain significance for RASopathy. Last evaluated: 2022-03-13. Review status: criteria provided, single submitter. Criteria: Invitae Variant Classification Sherloc (09022015). Collection method: clinical testing. Allele origin: germline.
Comment: This sequence change replaces isoleucine, which is neutral and non-polar, with methionine, which is neutral and non-polar, at codon 114 of the SHOC2 protein (p.Ile114Met). In summary, the available evidence is currently insufficient to determine the role of this variant in disease. Therefore, it has been classified as a Variant of Uncertain Significance. Algorithms developed to predict the effect of missense changes on protein structure and function output the following: SIFT: "Tolerated"; PolyPhen-2: "Benign"; Align-GVGD: "Class C0". The methionine amino acid residue is found in multiple mammalian species, which suggests that this missense change does not adversely affect protein function. ClinVar contains an entry for this variant (Variation ID: 1310782). This variant has not been reported in the literature in individuals affected with SHOC2-related conditions. This variant is not present in population databases (gnomAD no frequency).

GeneDx
Classification: Uncertain significance. Last evaluated: 2019-12-03. Review status: criteria provided, single submitter. Criteria: GeneDx Variant Classification Process June 2021. Collection method: clinical testing. Allele origin: germline. Affected: yes.
Comment: Has not been previously published as pathogenic or benign to our knowledge; Not observed in large population cohorts (Lek et al., 2016); In silico analysis, which includes protein predictors and evolutionary conservation, supports that this variant does not alter protein structure/function